The following is an entry in ClinVar:

NM_022041.4(GAN):c.1360C>G (p.Leu454Val)

Gene: GAN (gigaxonin; plus strand). Cytogenetic location: 16q23.2.
Variant type: single nucleotide variant.
Coding change: c.1360C>G on transcript NM_022041.4 (MANE Select); coding-DNA position 1360, C replaced by G.
Protein change: p.Leu454Val; replaces leucine 454 with valine.
Molecular consequence: missense variant.
Genome position (GRCh38, 1-based): chr16:81,365,097, C>G. VCF-style: chr16-81365097-C-G. GRCh37 (hg19) VCF-style: chr16-81398702-C-G.
Other names: c.721C>G, p.Leu241Val (NM_001377486.1); short protein forms L454V, L241V.
Identifiers: ClinVar variation 2169187 (VCV002169187.4), dbSNP rs1401475932, ClinGen allele CA396891059.

ClinVar aggregate classification (germline): Uncertain significance (1 of 4 stars; one submission).

Conditions:
Giant axonal neuropathy 1 (GAN1). Also called: GIANT AXONAL NEUROPATHY 1, AUTOSOMAL RECESSIVE; GAN-Related Neurodegeneration. Identifiers: Orphanet 643, MedGen C1850386, MONDO:0009749, OMIM 256850.

Allele frequency attached by ClinVar (database versions not stated): TOPMed below 0.00001; gnomAD 0.00002.
gnomAD v4.1: 12 of 1,613,856 alleles (0.00074%); highest among the groups gnomAD compares: Admixed American, 0.0067%; no homozygotes.

Submission:

Labcorp Genetics (formerly Invitae), Labcorp
Classification: Uncertain significance for Giant axonal neuropathy 1. Last evaluated: 2022-08-20. Review status: criteria provided, single submitter. Criteria: Invitae Variant Classification Sherloc (09022015). Collection method: clinical testing. Allele origin: germline.
Comment: In summary, the available evidence is currently insufficient to determine the role of this variant in disease. Therefore, it has been classified as a Variant of Uncertain Significance. Algorithms developed to predict the effect of missense changes on protein structure and function are either unavailable or do not agree on the potential impact of this missense change (SIFT: "Deleterious"; PolyPhen-2: "Probably Damaging"; Align-GVGD: "Class C0"). This variant has not been reported in the literature in individuals affected with GAN-related conditions. This variant is present in population databases (no rsID available, gnomAD 0.003%). This sequence change replaces leucine, which is neutral and non-polar, with valine, which is neutral and non-polar, at codon 454 of the GAN protein (p.Leu454Val).